The following is an entry in ClinVar:

ClinVar aggregate classification (germline): Likely pathogenic (0 of 4 stars; one submission).

Conditions:
Autosomal recessive nonsyndromic hearing loss 9. Also called: NEUROSENSORY NONSYNDROMIC RECESSIVE DEAFNESS 9; OTOF-Related Hearing Loss; Deafness, autosomal recessive 9; AUDITORY NEUROPATHY, AUTOSOMAL RECESSIVE, 1, TEMPERATURE-SENSITIVE. Identifiers: Orphanet 90636, MedGen C1832828, MONDO:0010986, OMIM 601071.

Submission:

Diagnosis and Treatment Center of Genetic Hearing Loss, Eye & ENT Hospital of Fudan University
Classification: Likely pathogenic for Autosomal recessive nonsyndromic hearing loss 9. Last evaluated: 2026-02-04. Review status: no assertion criteria provided. Collection method: clinical testing. Allele origin: germline. Inheritance: Autosomal recessive inheritance. Affected: yes.
Comment: A deletion of approximately 5.26 kb at chr2:26693943‑26699205 (GRCh37) encompasses exons 23‑31 of OTOF (PVS1_Strong). This deletion is absent from the Database of Genomic Variants (PM2_Supporting). The phenotype is consistent with auditory neuropathy (PP4).

NM_194248.3(OTOF):c.2677-20_3894+46del

Gene: OTOF (otoferlin; minus strand). Cytogenetic location: 2p23.3.
Variant type: Deletion.
Coding change: c.2677-20_3894+46del on transcript NM_194248.3 (MANE Select); 20 bases into the intron before coding-DNA position 2677 through 46 bases into the intron after coding-DNA position 3894, 5,263 bases deleted.
Molecular consequence: splice acceptor variant, splice donor variant.
Genome position (GRCh38, 1-based): chr2:26,471,075-26,476,337, 5,263 bases deleted. GRCh37 (hg19): chr2:26,693,944-26,699,206.
Other names: c.2677-20_3894+46del (NM_001287489.2); c.436-20_1593+46del (NM_194323.3, NM_004802.4); c.607-20_1824+46del (NM_194322.3).
Identifiers: ClinVar variation 4879918 (VCV004879918.1).